The following is an entry in ClinVar:

ClinVar aggregate classification (germline): Likely pathogenic (1 of 4 stars; one submission).

Conditions:
Wilson disease (WND). Also called: Wilson's disease. Identifiers: Orphanet 905, MedGen C0019202, MONDO:0010200, OMIM 277900. Disease mechanism: loss of function.

Submission:

Labcorp Genetics (formerly Invitae), Labcorp
Classification: Likely pathogenic for Wilson disease. Last evaluated: 2024-03-29. Review status: criteria provided, single submitter. Criteria: Invitae Variant Classification Sherloc (09022015). Collection method: clinical testing. Allele origin: germline.
Comment: This sequence change replaces glycine, which is neutral and non-polar, with serine, which is neutral and polar, at codon 515 of the ATP7B protein (p.Gly515Ser). This variant also falls at the last nucleotide of exon 3, which is part of the consensus splice site for this exon. This variant is not present in population databases (gnomAD no frequency). This missense change has been observed in individual(s) with Wilson disease (PMID: 33640437). An algorithm developed to predict the effect of missense changes on protein structure and function (PolyPhen-2) suggests that this variant is likely to be disruptive. Variants that disrupt the consensus splice site are a relatively common cause of aberrant splicing (PMID: 17576681, 9536098). Algorithms developed to predict the effect of sequence changes on RNA splicing suggest that this variant may disrupt the consensus splice site. This variant disrupts the p.Gly515 amino acid residue in ATP7B. Other variant(s) that disrupt this residue have been observed in individuals with ATP7B-related conditions (PMID: 23551039), which suggests that this may be a clinically significant amino acid residue. In summary, the currently available evidence indicates that the variant is pathogenic, but additional data are needed to prove that conclusively. Therefore, this variant has been classified as Likely Pathogenic.

Literature cited by the submitters: PubMed 33640437; PubMed 17576681; PubMed 9536098; PubMed 23551039.

NM_000053.4(ATP7B):c.1543G>A (p.Gly515Ser)

Gene: ATP7B (ATPase copper transporting beta; minus strand). Cytogenetic location: 13q14.3.
Variant type: single nucleotide variant.
Coding change: c.1543G>A on transcript NM_000053.4 (MANE Select); coding-DNA position 1543, G replaced by A.
Protein change: p.Gly515Ser; replaces glycine 515 with serine.
Molecular consequence: missense variant. On other transcripts: intron variant (1).
Genome position (GRCh38, 1-based): chr13:51,970,492, C>T on the plus strand (G>A on the coding strand, the complement: ATP7B is on the minus strand). VCF-style: chr13-51970492-C-T. GRCh37 (hg19) VCF-style: chr13-52544628-C-T.
Other names: c.1543G>A, p.Gly515Arg (NM_001406524.1, NM_001406514.1); c.1543G>A, p.Gly515Ser (NM_001406525.1, NM_001406526.1, NM_001406527.1 and 26 more transcripts); c.1447G>A, p.Gly483Ser (NM_001406530.1, NM_001406517.1, NM_001406518.1 and 3 more transcripts); c.1285+3443G>A (NM_001406548.1); c.1210G>A, p.Gly404Ser (NM_001243182.2); c.1114G>A, p.Gly372Ser (NM_001406539.1); short protein forms G372S, G404S, G483S, G515R, G515S.
Identifiers: ClinVar variation 3614185 (VCV003614185.2).